The following is an entry in ClinVar:

ClinVar aggregate classification (germline): Uncertain significance (1 of 4 stars; one submission).

Conditions:
Familial adenomatous polyposis 1 (FAP1). Also called: FAMILIAL ADENOMATOUS POLYPOSIS 1, ATTENUATED; POLYPOSIS, ADENOMATOUS INTESTINAL. Identifiers: MedGen C2713442, MONDO:0021056, OMIM 175100. Disease mechanism: loss of function.

Submission:

Labcorp Genetics (formerly Invitae), Labcorp
Classification: Uncertain significance for Familial adenomatous polyposis 1. Last evaluated: 2022-11-15. Review status: criteria provided, single submitter. Criteria: Invitae Variant Classification Sherloc (09022015). Collection method: clinical testing. Allele origin: germline.
Comment: In summary, the available evidence is currently insufficient to determine the role of this variant in disease. Therefore, it has been classified as a Variant of Uncertain Significance. Variants that disrupt the consensus splice site are a relatively common cause of aberrant splicing (PMID: 17576681, 9536098). Algorithms developed to predict the effect of sequence changes on RNA splicing suggest that this variant is not likely to affect RNA splicing. ClinVar contains an entry for this variant (Variation ID: 567800). This variant has not been reported in the literature in individuals affected with APC-related conditions. This variant is not present in population databases (gnomAD no frequency). This sequence change falls in intron 14 of the APC gene. It does not directly change the encoded amino acid sequence of the APC protein. It affects a nucleotide within the consensus splice site.

Literature cited by the submitters: PubMed 17576681; PubMed 9536098.

NM_000038.6(APC):c.1743+6T>A

Gene: APC (APC regulator of Wnt signaling pathway; plus strand). Cytogenetic location: 5q22.2.
Variant type: single nucleotide variant.
Coding change: c.1743+6T>A on transcript NM_000038.6 (MANE Select); 6 bases into the intron after coding-DNA position 1743, T replaced by A.
Molecular consequence: intron variant.
Genome position (GRCh38, 1-based): chr5:112,828,978, T>A. VCF-style: chr5-112828978-T-A. GRCh37 (hg19) VCF-style: chr5-112164675-T-A.
Other names: c.1743+6T>A (NM_001354895.2, NM_001127510.3); c.1773+6T>A (NM_001354897.2); c.1470+6T>A (NM_001354902.2); c.1689+6T>A (NM_001127511.3); c.1668+6T>A (NM_001354898.2); c.1365+6T>A (NM_001354904.2); c.894+6T>A (NM_001354906.2); c.1797+6T>A (NM_001354896.2); and 5 more.
Identifiers: ClinVar variation 567800 (VCV000567800.12), dbSNP rs766973462, ClinGen allele CA891842599.